The following is an entry in ClinVar:

NM_000038.6(APC):c.7670C>A (p.Ser2557Tyr)

Gene: APC (APC regulator of Wnt signaling pathway; plus strand). Cytogenetic location: 5q22.2.
Variant type: single nucleotide variant.
Coding change: c.7670C>A on transcript NM_000038.6 (MANE Select); coding-DNA position 7670, C replaced by A.
Protein change: p.Ser2557Tyr; replaces serine 2557 with tyrosine.
Molecular consequence: missense variant.
Genome position (GRCh38, 1-based): chr5:112,843,264, C>A. VCF-style: chr5-112843264-C-A. GRCh37 (hg19) VCF-style: chr5-112178961-C-A.
Other names: c.7670C>A, p.Ser2557Tyr (NM_001127510.3, NM_001354895.2); c.7616C>A, p.Ser2539Tyr (NM_001127511.3); c.7724C>A, p.Ser2575Tyr (NM_001354896.2); c.7700C>A, p.Ser2567Tyr (NM_001354897.2); c.7595C>A, p.Ser2532Tyr (NM_001354898.2); c.7586C>A, p.Ser2529Tyr (NM_001354899.2); c.7547C>A, p.Ser2516Tyr (NM_001354900.2); c.7493C>A, p.Ser2498Tyr (NM_001354901.2); and 5 more; short protein forms S2456Y, S2498Y, S2397Y, S2431Y, S2516Y, S2274Y, S2529Y, S2539Y.
Identifiers: ClinVar variation 948245 (VCV000948245.13), dbSNP rs1580685433, ClinGen allele CA16037993.

ClinVar aggregate classification (germline): Uncertain significance. Review status: criteria provided, multiple submitters, no conflicts (2 of 4 stars). 2 submissions from 2 submitters: Uncertain significance (2). Last evaluated 2021-11-24.

Conditions:
Familial adenomatous polyposis 1 (FAP1). Also called: FAMILIAL ADENOMATOUS POLYPOSIS 1, ATTENUATED; POLYPOSIS, ADENOMATOUS INTESTINAL. Identifiers: MedGen C2713442, MONDO:0021056, OMIM 175100. Disease mechanism: loss of function.
Hereditary cancer-predisposing syndrome. Also called: Hereditary neoplastic syndrome; Neoplastic Syndromes, Hereditary; Tumor predisposition; Hereditary Cancer Syndrome. Identifiers: Orphanet 140162, MedGen C0027672, MeSH D009386, MONDO:0015356.

Submissions (2):

Ambry Genetics
Classification: Uncertain significance for Hereditary cancer-predisposing syndrome. Last evaluated: 2021-11-24. Review status: criteria provided, single submitter. Criteria: Ambry Variant Classification Scheme 2023. Collection method: clinical testing. Allele origin: germline.
Comment: The p.S2557Y variant (also known as c.7670C>A), located in coding exon 15 of the APC gene, results from a C to A substitution at nucleotide position 7670. The serine at codon 2557 is replaced by tyrosine, an amino acid with dissimilar properties. This amino acid position is highly conserved in available vertebrate species. In addition, in silico predictors for this gene do not accurately predict pathogenicity. Since supporting evidence is limited at this time, the clinical significance of this alteration remains unclear.

Labcorp Genetics (formerly Invitae), Labcorp
Classification: Uncertain significance for Familial adenomatous polyposis 1. Last evaluated: 2019-06-09. Review status: criteria provided, single submitter. Criteria: Invitae Variant Classification Sherloc (09022015). Collection method: clinical testing. Allele origin: germline.
Comment: In summary, the available evidence is currently insufficient to determine the role of this variant in disease. Therefore, it has been classified as a Variant of Uncertain Significance. Algorithms developed to predict the effect of missense changes on protein structure and function (SIFT, PolyPhen-2, Align-GVGD) all suggest that this variant is likely to be disruptive, but these predictions have not been confirmed by published functional studies and their clinical significance is uncertain. This variant has not been reported in the literature in individuals with APC-related conditions. This variant is not present in population databases (ExAC no frequency). This sequence change replaces serine with tyrosine at codon 2557 of the APC protein (p.Ser2557Tyr). The serine residue is highly conserved and there is a large physicochemical difference between serine and tyrosine.